The following is an entry in ClinVar:

ClinVar aggregate classification (germline): Pathogenic (1 of 4 stars; one submission).

Conditions:
Neurofibromatosis, type 1 (NF1). Also called: VON RECKLINGHAUSEN DISEASE; NEUROFIBROMATOSIS, TYPE I, SOMATIC; Peripheral type neurofibromatosis; Neurofibromatosis, type I. Identifiers: Orphanet 636, MedGen C0027831, MONDO:0018975, OMIM 162200. Disease mechanism: loss of function.

Submission:

Labcorp Genetics (formerly Invitae), Labcorp
Classification: Pathogenic for Neurofibromatosis, type 1. Last evaluated: 2018-03-30. Review status: criteria provided, single submitter. Criteria: Invitae Variant Classification Sherloc (09022015). Collection method: clinical testing. Allele origin: germline.
Comment: This sequence change creates a premature translational stop signal (p.Met1960Ilefs*31) in the NF1 gene. It is expected to result in an absent or disrupted protein product. This variant is not present in population databases (ExAC no frequency). This variant has not been reported in the literature in individuals with NF1-related disease. Loss-of-function variants in NF1 are known to be pathogenic (PMID: 10712197, 23913538). For these reasons, this variant has been classified as Pathogenic.

Literature cited by the submitters: PubMed 10712197; PubMed 23913538.

NM_001042492.3(NF1):c.5943del (p.Met1981fs)

Gene: NF1 (neurofibromin 1; plus strand). Cytogenetic location: 17q11.2.
Variant type: Deletion.
Coding change: c.5943del on transcript NM_001042492.3 (MANE Select); coding-DNA position 5943, one base deleted (G; older notation c.5943delG).
Protein change: p.Met1981fs; shifts the reading frame from methionine 1981.
Molecular consequence: frameshift variant.
Genome position (GRCh38, 1-based): chr17:31,334,968, G deleted. VCF-style (leftmost placement, unchanged base first): chr17-31334967-TG-T. GRCh37 (hg19) VCF-style: chr17-29661985-TG-T.
Other names: c.5880delG, p.Met1960Ilefs (NM_000267.4); c.5880delG (NM_000267.3); short protein forms M1981fs, M1960fs.
Identifiers: ClinVar variation 565500 (VCV000565500.5), dbSNP rs1567615872, ClinGen allele CA891844401.
Genomic context (GRCh38, chr17:31,334,967, plus strand): 5'-AGCATAATGATGATGCCAAACGACAAAGAGTTACTGCTATTCTTGACAAGCTGATAACAA[TG>T]ACCATCAATGAAAAACAGATGTACCCATCTATTCAAGCAAAAATATGGGGAAGCCTTGGG-3'